The following is an entry in ClinVar:

ClinVar aggregate classification (germline): Uncertain significance (1 of 4 stars; one submission).

Conditions:
Neurofibromatosis, type 1 (NF1). Also called: VON RECKLINGHAUSEN DISEASE; NEUROFIBROMATOSIS, TYPE I, SOMATIC; Peripheral type neurofibromatosis; Neurofibromatosis, type I. Identifiers: Orphanet 636, MedGen C0027831, MONDO:0018975, OMIM 162200. Disease mechanism: loss of function.

Submissions (2):

Labcorp Genetics (formerly Invitae), Labcorp
Classification: Uncertain significance for Neurofibromatosis, type 1. Last evaluated: 2019-05-16. Review status: criteria provided, single submitter. Criteria: Invitae Variant Classification Sherloc (09022015). Collection method: clinical testing. Allele origin: germline.
Comment: In summary, the available evidence is currently insufficient to determine the role of this variant in disease. Therefore, it has been classified as a Variant of Uncertain Significance. Nucleotide substitutions within the consensus splice site are a relatively common cause of aberrant splicing (PMID: 17576681, 9536098). Algorithms developed to predict the effect of sequence changes on RNA splicing suggest that this variant may disrupt the consensus splice site, but this prediction has not been confirmed by published transcriptional studies. This variant has not been reported in the literature in individuals with NF1-related conditions. This variant is not present in population databases (ExAC no frequency). This sequence change falls in intron 38 of the NF1 gene. It does not directly change the encoded amino acid sequence of the NF1 protein, but it affects a nucleotide within the consensus splice site of the intron.

Dr. Peter K. Rogan Lab, Western University
No classification provided (evidence only). Condition: Familial cancer of breast. Review status: no classification provided. Collection method: in vitro. Allele origin: not applicable. Functional consequence: skipped exon. Not counted in ClinVar's aggregate classification.

Literature cited by the submitters: PubMed 17576681 (cited by Labcorp Genetics (formerly Invitae), Labcorp); PubMed 9536098 (cited by Labcorp Genetics (formerly Invitae), Labcorp).

NM_001042492.3(NF1):c.5812+3A>C

Gene: NF1 (neurofibromin 1; plus strand). Cytogenetic location: 17q11.2.
Variant type: single nucleotide variant.
Coding change: c.5812+3A>C on transcript NM_001042492.3 (MANE Select); 3 bases into the intron after coding-DNA position 5812, A replaced by C.
Molecular consequence: intron variant.
Genome position (GRCh38, 1-based): chr17:31,330,501, A>C. VCF-style: chr17-31330501-A-C. GRCh37 (hg19) VCF-style: chr17-29657519-A-C.
Other names: c.5749+3A>C (NM_000267.4).
Identifiers: ClinVar variation 952250 (VCV000952250.7), dbSNP rs1597834976, ClinGen allele CA1139665395.